The following is an entry in ClinVar:

NM_022458.4(LMBR1):c.776A>C (p.Glu259Ala)

Gene: LMBR1 (limb development membrane protein 1; minus strand). Cytogenetic location: 7q36.3.
Variant type: single nucleotide variant.
Coding change: c.776A>C on transcript NM_022458.4 (MANE Select); coding-DNA position 776, A replaced by C.
Protein change: p.Glu259Ala; replaces glutamic acid 259 with alanine.
Molecular consequence: missense variant. On other transcripts: non-coding transcript variant (2).
Genome position (GRCh38, 1-based): chr7:156,734,239, T>G on the plus strand (A>C on the coding strand, the complement: LMBR1 is on the minus strand). VCF-style: chr7-156734239-T-G. GRCh37 (hg19) VCF-style: chr7-156526933-T-G.
Other names: c.899A>C, p.Glu300Ala (NM_001350953.2, NM_001363409.2); c.497A>C, p.Glu166Ala (NM_001350954.2); c.320A>C, p.Glu107Ala (NM_001350955.2, NM_001350956.2, NM_001350958.2 and 1 more transcripts); c.407A>C, p.Glu136Ala (NM_001350957.2, NM_001363411.2); c.776A>C, p.Glu259Ala (NM_001363410.2); c.713A>C, p.Glu238Ala (NM_001363412.2); short protein forms E136A, E107A, E166A, E259A, E300A, E238A.
Identifiers: ClinVar variation 3706520 (VCV003706520.2).

ClinVar aggregate classification (germline): Uncertain significance (1 of 4 stars; one submission).

gnomAD v4.1: 9 of 1,610,290 alleles (0.00056%); highest among the groups gnomAD compares: Admixed American, 0.0051%; no homozygotes.

Submission:

Labcorp Genetics (formerly Invitae), Labcorp
Classification: Uncertain significance. Last evaluated: 2025-05-15. Review status: criteria provided, single submitter. Criteria: Invitae Variant Classification Sherloc (09022015). Collection method: clinical testing. Allele origin: germline.
Comment: This sequence change replaces glutamic acid, which is acidic and polar, with alanine, which is neutral and non-polar, at codon 259 of the LMBR1 protein (p.Glu259Ala). This variant is present in population databases (no rsID available, gnomAD 0.0009%). This variant has not been reported in the literature in individuals affected with LMBR1-related conditions. ClinVar contains an entry for this variant (Variation ID: 3706520). Invitae Evidence Modeling of protein sequence and biophysical properties (such as structural, functional, and spatial information, amino acid conservation, physicochemical variation, residue mobility, and thermodynamic stability) indicates that this missense variant is not expected to disrupt LMBR1 protein function with a negative predictive value of 80%. In summary, the available evidence is currently insufficient to determine the role of this variant in disease. Therefore, it has been classified as a Variant of Uncertain Significance.